The following is an entry in ClinVar:

NM_000171.4(GLRA1):c.1241A>T (p.Lys414Met)

Gene: GLRA1 (glycine receptor alpha 1; minus strand). Cytogenetic location: 5q33.1.
Variant type: single nucleotide variant.
Coding change: c.1241A>T on transcript NM_000171.4 (MANE Select); coding-DNA position 1241, A replaced by T.
Protein change: p.Lys414Met; replaces lysine 414 with methionine.
Molecular consequence: missense variant.
Genome position (GRCh38, 1-based): chr5:151,822,782, T>A on the plus strand (A>T on the coding strand, the complement: GLRA1 is on the minus strand). VCF-style: chr5-151822782-T-A. GRCh37 (hg19) VCF-style: chr5-151202343-T-A.
Other names: c.1265A>T, p.Lys422Met (NM_001146040.2); c.992A>T, p.Lys331Met (NM_001292000.2); short protein forms K414M, K422M, K331M.
Identifiers: ClinVar variation 1396326 (VCV001396326.8), dbSNP rs775717500, ClinGen allele CA3523474.
Genomic context (GRCh38, chr5:151,822,782, plus strand): 5'-TAGAACATGTTGAAAATGAGGAAGGCCATGGGGAAGCCAATGCGGGATATTTTGTCGATC[T>A]TCTTGGCCCTCTGGATGAAGAGTTTTCGCATCTCCTCTGGGGACTTAGATGGTGCAGGAG-3'
Protein context (NP_000162.2, residues 404-424): MRKLFIQRAK[Lys414Met]IDKISRIGFP

ClinVar aggregate classification (germline): Uncertain significance (1 of 4 stars; one submission).

Conditions:
Hereditary hyperekplexia. Identifiers: Orphanet 3197, MedGen C4084968, MONDO:0021022.

Allele frequency attached by ClinVar (database versions not stated): ExAC 0.00001; gnomAD 0.00001; TOPMed 0.00001; gnomAD exomes 0.00002.
gnomAD v4.1: 10 of 1,613,930 alleles (0.00062%); highest among the groups gnomAD compares: East Asian, 0.0067%; no homozygotes.

Submission:

Labcorp Genetics (formerly Invitae), Labcorp
Classification: Uncertain significance for Hereditary hyperekplexia. Last evaluated: 2024-03-04. Review status: criteria provided, single submitter. Criteria: Invitae Variant Classification Sherloc (09022015). Collection method: clinical testing. Allele origin: germline.
Comment: This sequence change replaces lysine, which is basic and polar, with methionine, which is neutral and non-polar, at codon 414 of the GLRA1 protein (p.Lys414Met). This variant is present in population databases (rs775717500, gnomAD 0.02%). This variant has not been reported in the literature in individuals affected with GLRA1-related conditions. ClinVar contains an entry for this variant (Variation ID: 1396326). Advanced modeling of protein sequence and biophysical properties (such as structural, functional, and spatial information, amino acid conservation, physicochemical variation, residue mobility, and thermodynamic stability) has been performed at Invitae for this missense variant, however the output from this modeling did not meet the statistical confidence thresholds required to predict the impact of this variant on GLRA1 protein function. In summary, the available evidence is currently insufficient to determine the role of this variant in disease. Therefore, it has been classified as a Variant of Uncertain Significance.